The following is an entry in ClinVar:

ClinVar aggregate classification (germline): Likely pathogenic (1 of 4 stars; one submission).

Conditions:
Nemaline myopathy 2 (NEM2). Also called: Nemaline myopathy 2, autosomal recessive. Identifiers: MedGen C1850569, MONDO:0009725, OMIM 256030.

Submission:

Myriad Genetics, Inc.
Classification: Likely pathogenic for Nemaline myopathy 2. Last evaluated: 2026-01-21. Review status: criteria provided, single submitter. Criteria: Myriad Autosomal Dominant, Autosomal Recessive and X-Linked Classification Criteria (2023). Collection method: clinical testing. Allele origin: unknown.
Comment: NM_001271208.1(NEB):c.19102-2A>G is a variant in a canonical splice site classified as likely pathogenic in the context of NEB-related nemaline myopathy. c.19102-2A>G has been observed in a case with relevant disease (PMID: 30467404). Relevant functional assessments of this variant are not available in the literature. c.19102-2A>G has not been observed in referenced population frequency databases. In summary, NM_001271208.1(NEB):c.19102-2A>G is a variant in a canonical splice site that has been observed more frequently in cases with the relevant disease than in healthy populations. Please note: this variant was assessed in the context of healthy population screening.

Literature cited by the submitters: PubMed 30467404.

NM_001164508.2(NEB):c.19102-2A>G

Gene: NEB (nebulin; minus strand). Cytogenetic location: 2q23.3.
Variant type: single nucleotide variant.
Coding change: c.19102-2A>G on transcript NM_001164508.2 (MANE Select); the canonical splice acceptor site of the intron before coding-DNA position 19102, A replaced by G.
Molecular consequence: splice acceptor variant.
Genome position (GRCh38, 1-based): chr2:151,561,110, T>C on the plus strand (A>G on the coding strand, the complement: NEB is on the minus strand). VCF-style: chr2-151561110-T-C. GRCh37 (hg19) VCF-style: chr2-152417624-T-C.
Other names: c.13999-2A>G (NM_004543.5); c.19102-2A>G (NM_001164507.2, NM_001271208.2).
Identifiers: ClinVar variation 5003705 (VCV005003705.1).